The following is an entry in ClinVar:

NM_000059.4(BRCA2):c.3061G>T (p.Glu1021Ter)

Gene: BRCA2 (BRCA2 DNA repair associated; plus strand). Cytogenetic location: 13q13.1.
Variant type: single nucleotide variant.
Coding change: c.3061G>T on transcript NM_000059.4 (MANE Select); coding-DNA position 3061, G replaced by T.
Protein change: p.Glu1021Ter; replaces glutamic acid 1021 with a stop codon.
Molecular consequence: nonsense. On other transcripts: non-coding transcript variant (1), intron variant (2).
Genome position (GRCh38, 1-based): chr13:32,337,416, G>T. VCF-style: chr13-32337416-G-T. GRCh37 (hg19) VCF-style: chr13-32911553-G-T.
Other names: c.3061G>T, p.Glu1021Ter (NM_001406719.1, NM_001406720.1, NM_001432077.1); c.1909+4029G>T (NM_001406721.1); c.424+6386G>T (NM_001406722.1); short protein forms E1021*.
Identifiers: ClinVar variation 4758837 (VCV004758837.1).

ClinVar aggregate classification (germline): Pathogenic (1 of 4 stars; one submission).

Conditions:
Hereditary cancer-predisposing syndrome. Also called: Neoplastic Syndromes, Hereditary; Hereditary neoplastic syndrome; Tumor predisposition; Hereditary Cancer Syndrome. Identifiers: Orphanet 140162, MedGen C0027672, MeSH D009386, MONDO:0015356.

Submission:

Color Diagnostics, LLC DBA Color Health
Classification: Pathogenic for Hereditary cancer-predisposing syndrome. Last evaluated: 2025-06-30. Review status: criteria provided, single submitter. Criteria: ACMG Guidelines, 2015. Collection method: clinical testing. Allele origin: germline.
Comment: This variant changes 1 nucleotide in exon 11 of the BRCA2 gene, creating a premature translation stop signal. This variant is expected to result in an absent or non-functional protein product. To our knowledge, this variant has not been reported in individuals affected with BRCA2-related disorders in the literature. This variant has not been identified in the general population by the Genome Aggregation Database (gnomAD). Loss of BRCA2 function is a known mechanism of disease. Based on the available evidence, this variant is classified as Pathogenic.